The following is an entry in ClinVar:

ClinVar aggregate classification (germline): Uncertain significance (1 of 4 stars; one submission).

Conditions:
Cardiovascular phenotype. Identifiers: MedGen CN230736.

Allele frequency attached by ClinVar (database versions not stated): gnomAD exomes below 0.00001; TOPMed 0.00001.

Submission:

Ambry Genetics
Classification: Uncertain significance for Cardiovascular phenotype. Last evaluated: 2024-09-30. Review status: criteria provided, single submitter. Criteria: Ambry Variant Classification Scheme 2023. Collection method: clinical testing. Allele origin: germline.
Comment: The p.R121Q variant (also known as c.362G>A), located in coding exon 3 of the APOE gene, results from a G to A substitution at nucleotide position 362. The arginine at codon 121 is replaced by glutamine, an amino acid with highly similar properties. This amino acid position is conserved. In addition, this alteration is predicted to be tolerated by in silico analysis. Since supporting evidence is limited at this time, the clinical significance of this alteration remains unclear.

NM_000041.4(APOE):c.362G>A (p.Arg121Gln)

Gene: APOE (apolipoprotein E; plus strand). Cytogenetic location: 19q13.32.
Variant type: single nucleotide variant.
Coding change: c.362G>A on transcript NM_000041.4 (MANE Select); coding-DNA position 362, G replaced by A.
Protein change: p.Arg121Gln; replaces arginine 121 with glutamine.
Molecular consequence: missense variant.
Genome position (GRCh38, 1-based): chr19:44,908,658, G>A. VCF-style: chr19-44908658-G-A. GRCh37 (hg19) VCF-style: chr19-45411915-G-A.
Other names: c.440G>A, p.Arg147Gln (NM_001302688.2); c.362G>A, p.Arg121Gln (NM_001302689.2, NM_001302690.2, NM_001302691.2); short protein forms R147Q, R121Q.
Identifiers: ClinVar variation 1733394 (VCV001733394.3), dbSNP rs1969859756, ClinGen allele CA406303874.